The following is an entry in ClinVar:

NM_024844.5(NUP85):c.1514+4G>A

Gene: NUP85 (nucleoporin 85; plus strand). Cytogenetic location: 17q25.1.
Variant type: single nucleotide variant.
Coding change: c.1514+4G>A on transcript NM_024844.5 (MANE Select); 4 bases into the intron after coding-DNA position 1514, G replaced by A.
Molecular consequence: intron variant.
Genome position (GRCh38, 1-based): chr17:75,232,972, G>A. VCF-style: chr17-75232972-G-A. GRCh37 (hg19) VCF-style: chr17-73229067-G-A.
Other names: c.1379+4G>A (NM_001330472.2); c.1376+4G>A (NM_001303276.2).
Identifiers: ClinVar variation 1516723 (VCV001516723.6), dbSNP rs774391267, ClinGen allele CA8758887.

ClinVar aggregate classification (germline): Uncertain significance (1 of 4 stars; one submission).

Allele frequency attached by ClinVar (database versions not stated): TOPMed below 0.00001; gnomAD exomes 0.00002 and 0.00004; ExAC 0.00005.
gnomAD v4.1: 11 of 1,613,944 alleles (0.00068%); highest among the groups gnomAD compares: Admixed American, 0.018%; no homozygotes.

Submission:

Labcorp Genetics (formerly Invitae), Labcorp
Classification: Uncertain significance. Last evaluated: 2022-09-07. Review status: criteria provided, single submitter. Criteria: Invitae Variant Classification Sherloc (09022015). Collection method: clinical testing. Allele origin: germline.
Comment: This sequence change falls in intron 15 of the NUP85 gene. It does not directly change the encoded amino acid sequence of the NUP85 protein. It affects a nucleotide within the consensus splice site. In summary, the available evidence is currently insufficient to determine the role of this variant in disease. Therefore, it has been classified as a Variant of Uncertain Significance. Variants that disrupt the consensus splice site are a relatively common cause of aberrant splicing (PMID: 17576681, 9536098). Algorithms developed to predict the effect of sequence changes on RNA splicing suggest that this variant is not likely to affect RNA splicing. ClinVar contains an entry for this variant (Variation ID: 1516723). This variant has not been reported in the literature in individuals affected with NUP85-related conditions. This variant is present in population databases (rs774391267, gnomAD 0.03%).

Literature cited by the submitters: PubMed 17576681; PubMed 9536098.